The following is an entry in ClinVar:

ClinVar aggregate classification (germline): Likely benign. Review status: criteria provided, multiple submitters, no conflicts (2 of 4 stars). 3 submissions from 3 submitters: Likely benign (3). Last evaluated 2024-10-02.

Conditions:
Left ventricular noncompaction 8 (LVNC8). Identifiers: Orphanet 154, Orphanet 54260, MedGen C3809288, MONDO:0014152, OMIM 615373.

Allele frequency attached by ClinVar (database versions not stated): gnomAD 0.00007 and 0.00008; ExAC 0.00008; TOPMed 0.00006; gnomAD exomes 0.00003 and 0.00008.
gnomAD v4.1: 61 of 1,612,758 alleles (0.0038%); highest among the groups gnomAD compares: South Asian, 0.024%; no homozygotes.

Submissions (3):

Labcorp Genetics (formerly Invitae), Labcorp
Classification: Likely benign for Left ventricular noncompaction 8. Last evaluated: 2024-10-02. Review status: criteria provided, single submitter. Criteria: Invitae Variant Classification Sherloc (09022015). Collection method: clinical testing. Allele origin: germline.

GeneDx
Classification: Likely benign. Last evaluated: 2021-05-08. Review status: criteria provided, single submitter. Criteria: GeneDx Variant Classification Process June 2021. Collection method: clinical testing. Allele origin: germline. Affected: yes.

Laboratory for Molecular Medicine, Mass General Brigham Personalized Medicine
Classification: Likely benign. Last evaluated: 2017-03-09. Review status: criteria provided, single submitter. Criteria: LMM Criteria. Collection method: clinical testing. Allele origin: germline. Observed: 1 variant allele.
Comment: p.Thr613Thr in exon 9 of PRDM16: This variant is not expected to have clinical s ignificance because it does not alter an amino acid residue and is not located w ithin the splice consensus sequence. It has been identified in 5/15628 South Asi an chromosomes by the Exome Aggregation Consortium (ExAC; rs549179676).

NM_022114.4(PRDM16):c.1839C>T (p.Thr613=)

Gene: PRDM16 (PR/SET domain 16; plus strand). Cytogenetic location: 1p36.32.
Variant type: single nucleotide variant.
Coding change: c.1839C>T on transcript NM_022114.4 (MANE Select); coding-DNA position 1839, C replaced by T.
Protein change: p.Thr613=; no amino-acid change (threonine 613 retained).
Molecular consequence: synonymous variant.
Genome position (GRCh38, 1-based): chr1:3,412,036, C>T. VCF-style: chr1-3412036-C-T. GRCh37 (hg19) VCF-style: chr1-3328600-C-T.
Other names: c.1839C>T, p.Thr613= (NM_199454.3).
Identifiers: ClinVar variation 509257 (VCV000509257.15), dbSNP rs549179676, ClinGen allele CA544303.